The following is an entry in ClinVar:

ClinVar aggregate classification (germline): Uncertain significance (1 of 4 stars; one submission).

Conditions:
Fanconi anemia (FA). Also called: Fanconi's anemia. Identifiers: Orphanet 84, MedGen C0015625, MeSH D005199, MONDO:0019391.

Submission:

Labcorp Genetics (formerly Invitae), Labcorp
Classification: Uncertain significance for Fanconi anemia. Last evaluated: 2021-11-15. Review status: criteria provided, single submitter. Criteria: Invitae Variant Classification Sherloc (09022015). Collection method: clinical testing. Allele origin: germline.
Comment: This variant is not present in population databases (gnomAD no frequency). In summary, the available evidence is currently insufficient to determine the role of this variant in disease. Therefore, it has been classified as a Variant of Uncertain Significance. Algorithms developed to predict the effect of missense changes on protein structure and function are either unavailable or do not agree on the potential impact of this missense change (SIFT: "Deleterious"; PolyPhen-2: "Probably Damaging"; Align-GVGD: "Class C0"). This variant has not been reported in the literature in individuals affected with FANCI-related conditions. This sequence change replaces glutamic acid, which is acidic and polar, with alanine, which is neutral and non-polar, at codon 1246 of the FANCI protein (p.Glu1246Ala).

NM_001113378.2(FANCI):c.3737A>C (p.Glu1246Ala)

Gene: FANCI (FA complementation group I; plus strand). Cytogenetic location: 15q26.1.
Variant type: single nucleotide variant.
Coding change: c.3737A>C on transcript NM_001113378.2 (MANE Select); coding-DNA position 3737, A replaced by C.
Protein change: p.Glu1246Ala; replaces glutamic acid 1246 with alanine.
Molecular consequence: missense variant.
Genome position (GRCh38, 1-based): chr15:89,314,628, A>C. VCF-style: chr15-89314628-A-C. GRCh37 (hg19) VCF-style: chr15-89857859-A-C.
Other names: c.3458A>C, p.Glu1153Ala (NM_001376910.1); c.3737A>C, p.Glu1246Ala (NM_001376911.1); c.3557A>C, p.Glu1186Ala (NM_018193.3); short protein forms E1246A, E1186A, E1153A.
Identifiers: ClinVar variation 1393464 (VCV001393464.6), dbSNP rs2152016970, ClinGen allele CA393743913.